The following is an entry in ClinVar:

NM_004525.3(LRP2):c.12511C>G (p.Leu4171Val)

Gene: LRP2 (LDL receptor related protein 2; minus strand). Cytogenetic location: 2q31.1.
Variant type: single nucleotide variant.
Coding change: c.12511C>G on transcript NM_004525.3 (MANE Select); coding-DNA position 12511, C replaced by G.
Protein change: p.Leu4171Val; replaces leucine 4171 with valine.
Molecular consequence: missense variant.
Genome position (GRCh38, 1-based): chr2:169,150,977, G>C on the plus strand (C>G on the coding strand, the complement: LRP2 is on the minus strand). VCF-style: chr2-169150977-G-C. GRCh37 (hg19) VCF-style: chr2-170007487-G-C.
Other names: short protein forms L4171V.
Identifiers: ClinVar variation 893393 (VCV000893393.6), dbSNP rs755703773, ClinGen allele CA1952786.
Genomic context (GRCh38, chr2:169,150,977, plus strand): 5'-CAATAGCAGCTGGTTGGTCCAGGTCAGTGGAAATCAGCCACTTTCTGTACCTTCCATCAA[G>C]TTTAGCCACCTCAATGCGTTTATTCTTGACATCTGACCAGTAAATATGCCTGAATTCAGA-3'
Protein context (NP_004516.2, residues 4161-4181): VKNKRIEVAK[Leu4171Val]DGRYRKWLIS

ClinVar aggregate classification (germline): Uncertain significance. Review status: criteria provided, multiple submitters, no conflicts (2 of 4 stars). 3 submissions from 3 submitters: Uncertain significance (3). Last evaluated 2022-06-24.

Conditions:
Donnai-Barrow syndrome. Also called: FACIOOCULOACOUSTICORENAL SYNDROME; DBS/FOAR SYNDROME. Identifiers: Orphanet 2143, MedGen C1857277, MONDO:0009104, OMIM 222448.

Allele frequency attached by ClinVar (database versions not stated): gnomAD exomes below 0.00001; ExAC 0.00001; gnomAD 0.00001; TOPMed 0.00002.
gnomAD v4.1: 5 of 1,613,968 alleles (0.00031%); highest among the groups gnomAD compares: African/African-American, 0.0013%; no homozygotes.

Submissions (3):

Blueprint Genetics
Classification: Uncertain significance. Last evaluated: 2022-06-24. Review status: criteria provided, single submitter. Criteria: ACMG Guidelines, 2015. Collection method: clinical testing. Allele origin: germline.

Labcorp Genetics (formerly Invitae), Labcorp
Classification: Uncertain significance. Last evaluated: 2022-02-19. Review status: criteria provided, single submitter. Criteria: Invitae Variant Classification Sherloc (09022015). Collection method: clinical testing. Allele origin: germline.
Comment: This sequence change replaces leucine, which is neutral and non-polar, with valine, which is neutral and non-polar, at codon 4171 of the LRP2 protein (p.Leu4171Val). This variant is present in population databases (rs755703773, gnomAD 0.007%). This variant has not been reported in the literature in individuals affected with LRP2-related conditions. ClinVar contains an entry for this variant (Variation ID: 893393). Advanced modeling of protein sequence and biophysical properties (such as structural, functional, and spatial information, amino acid conservation, physicochemical variation, residue mobility, and thermodynamic stability) performed at Invitae indicates that this missense variant is not expected to disrupt LRP2 protein function. In summary, the available evidence is currently insufficient to determine the role of this variant in disease. Therefore, it has been classified as a Variant of Uncertain Significance.

Illumina Laboratory Services, Illumina
Classification: Uncertain significance for Donnai-Barrow syndrome. Last evaluated: 2018-01-12. Review status: criteria provided, single submitter. Criteria: ICSL Variant Classification Criteria 13 December 2019. Collection method: clinical testing. Allele origin: germline.